The following is an entry in ClinVar:

ClinVar aggregate classification (germline): Conflicting classifications of pathogenicity. Review status: criteria provided, conflicting classifications (1 of 4 stars). 3 submissions from 3 submitters: Likely pathogenic (1); Uncertain significance (1); Likely benign (1). Last evaluated 2025-02-19.

Conditions:
Multiple acyl-CoA dehydrogenase deficiency (MADD). Also called: ETHYLMALONIC-ADIPICACIDURIA; GA II; Glutaric Acidemia type 2; Glutaric aciduria, type 2; Glutaric acidemia type II; GA 2. Identifiers: Orphanet 26791, MedGen C0268596, MONDO:0009282, OMIM 231680.

Allele frequency attached by ClinVar (database versions not stated): gnomAD exomes 0.00002; gnomAD 0.00003; ExAC 0.00004.

Submissions (3):

Department of Clinical Genetics, Copenhagen University Hospital, Rigshospitalet
Classification: Likely pathogenic for Multiple acyl-CoA dehydrogenase deficiency. Last evaluated: 2025-02-19. Review status: criteria provided, single submitter. Criteria: ACMG Guidelines, 2015. Collection method: clinical testing. Allele origin: germline. Affected: yes.
Comment: The following ACMG criteria has been used: PVS1_Strong (RNA); PM3

Blueprint Genetics
Classification: Uncertain significance. Last evaluated: 2024-05-08. Review status: criteria provided, single submitter. Criteria: ACMG Guidelines, 2015. Collection method: clinical testing. Allele origin: germline.

Labcorp Genetics (formerly Invitae), Labcorp
Classification: Likely benign for Multiple acyl-CoA dehydrogenase deficiency. Last evaluated: 2023-12-18. Review status: criteria provided, single submitter. Criteria: Invitae Variant Classification Sherloc (09022015). Collection method: clinical testing. Allele origin: germline.

Literature cited by the submitters: PubMed 39950184 (cited by Department of Clinical Genetics, Copenhagen University Hospital, Rigshospitalet).

NM_004453.4(ETFDH):c.897G>A (p.Leu299=)

Gene: ETFDH (electron transfer flavoprotein dehydrogenase; plus strand). Cytogenetic location: 4q32.1.
Variant type: single nucleotide variant.
Coding change: c.897G>A on transcript NM_004453.4 (MANE Select); coding-DNA position 897, G replaced by A.
Protein change: p.Leu299=; no amino-acid change (leucine 299 retained).
Molecular consequence: synonymous variant.
Genome position (GRCh38, 1-based): chr4:158,697,624, G>A. VCF-style: chr4-158697624-G-A. GRCh37 (hg19) VCF-style: chr4-159618776-G-A.
Other names: c.756G>A, p.Leu252= (NM_001281737.2); c.714G>A, p.Leu238= (NM_001281738.1).
Identifiers: ClinVar variation 1989578 (VCV001989578.6), dbSNP rs764284379, ClinGen allele CA3122492.